The following is an entry in ClinVar:

ClinVar aggregate classification (germline): Uncertain significance (1 of 4 stars; one submission).

Conditions:
SCAPER-related disorder. Also called: SCAPER-related condition.

Submission:

PreventionGenetics, part of Exact Sciences
Classification: Uncertain significance for SCAPER-related condition. Last evaluated: 2026-02-22. Review status: criteria provided, single submitter. Criteria: ACMG Guidelines, 2015. Collection method: clinical testing. Allele origin: germline.
Comment: The SCAPER c.1031C>T variant is predicted to result in the amino acid substitution p.Thr344Ile. To our knowledge, this variant has not been reported in the literature or in a large population database (gnomAD), indicating this variant is rare. At this time, the clinical significance of this variant is uncertain due to the absence of conclusive functional and genetic evidence.

NM_020843.4(SCAPER):c.1031C>T (p.Thr344Ile)

Gene: SCAPER (S-phase cyclin A associated protein in the ER; minus strand). Cytogenetic location: 15q24.3.
Variant type: single nucleotide variant.
Coding change: c.1031C>T on transcript NM_020843.4 (MANE Select); coding-DNA position 1031, C replaced by T.
Protein change: p.Thr344Ile; replaces threonine 344 with isoleucine.
Molecular consequence: missense variant. On other transcripts: non-coding transcript variant (1).
Genome position (GRCh38, 1-based): chr15:76,774,859, G>A on the plus strand (C>T on the coding strand, the complement: SCAPER is on the minus strand). VCF-style: chr15-76774859-G-A. GRCh37 (hg19) VCF-style: chr15-77067200-G-A.
Other names: c.293C>T, p.Thr98Ile (NM_001145923.2); c.1031C>T, p.Thr344Ile (NM_001353009.2); c.629C>T, p.Thr210Ile (NM_001353010.2, NM_001353011.2, NM_001353012.2); short protein forms T98I, T344I, T210I.
Identifiers: ClinVar variation 4992227 (VCV004992227.1).